The following is an entry in ClinVar:

NM_005310.5(GRB7):c.1164C>G (p.Pro388=)

Gene: GRB7 (growth factor receptor bound protein 7; plus strand). Cytogenetic location: 17q12.
Variant type: single nucleotide variant.
Coding change: c.1164C>G on transcript NM_005310.5 (MANE Select); coding-DNA position 1164, C replaced by G.
Protein change: p.Pro388=; no amino-acid change (proline 388 retained).
Molecular consequence: synonymous variant.
Genome position (GRCh38, 1-based): chr17:39,745,493, C>G. VCF-style: chr17-39745493-C-G. GRCh37 (hg19) VCF-style: chr17-37901746-C-G.
Other names: c.1164C>G, p.Pro388= (NM_001030002.3, NM_001242443.2, NM_001330207.2); c.1233C>G, p.Pro411= (NM_001242442.2).
Identifiers: ClinVar variation 2647724 (VCV002647724.24), dbSNP rs61754642, ClinGen allele CA8535208.

ClinVar aggregate classification (germline): Likely benign (1 of 4 stars; one submission).

Allele frequency attached by ClinVar (database versions not stated): TOPMed below 0.00001; ExAC 0.00001; gnomAD 0.00001.
gnomAD v4.1: 8 of 1,613,888 alleles (0.0005%); highest among the groups gnomAD compares: Non-Finnish European, 0.00068%; no homozygotes.

Submission:

CeGaT Center for Human Genetics Tuebingen
Classification: Likely benign. Last evaluated: 2022-10-01. Review status: criteria provided, single submitter. Criteria: CeGaT Center For Human Genetics Tuebingen Variant Classification Criteria Version 2. Collection method: clinical testing. Allele origin: germline. Affected: yes. Observed: 1 variant allele.
Comment: GRB7: BP4, BP7